The following is an entry in ClinVar:

ClinVar aggregate classification (germline): Uncertain significance (1 of 4 stars; one submission).

Conditions:
Dilated cardiomyopathy 1AA (CMD1AA). Also called: CARDIOMYOPATHY, DILATED, 1AA, WITH OR WITHOUT LEFT VENTRICULAR NONCOMPACTION; CARDIOMYOPATHY, FAMILIAL HYPERTROPHIC, 23, WITH OR WITHOUT LEFT VENTRICULAR NONCOMPACTION; Cardiomyopathy, dilated, 1AA, with or without LVNC. Identifiers: Orphanet 154, MedGen C2677338, MONDO:0012808, OMIM 612158.
Primary familial hypertrophic cardiomyopathy (HCM). Identifiers: Orphanet 99739, MedGen C0949658, MeSH D024741, MONDO:0024573. Inheritance: Various modes of inheritance.

Submission:

Labcorp Genetics (formerly Invitae), Labcorp
Classification: Uncertain significance for Primary familial hypertrophic cardiomyopathy; Dilated cardiomyopathy 1AA. Last evaluated: 2026-01-13. Review status: criteria provided, single submitter. Criteria: Invitae Variant Classification Sherloc (09022015). Collection method: clinical testing. Allele origin: germline.
Comment: This sequence change replaces aspartic acid, which is acidic and polar, with histidine, which is basic and polar, at codon 816 of the ACTN2 protein (p.Asp816His). This variant is not present in population databases (gnomAD no frequency). This variant has not been reported in the literature in individuals affected with ACTN2-related conditions. An algorithm developed to predict the effect of missense changes on protein structure and function (PolyPhen-2) suggests that this variant is likely to be disruptive. In summary, the available evidence is currently insufficient to determine the role of this variant in disease. Therefore, it has been classified as a Variant of Uncertain Significance.

NM_001103.4(ACTN2):c.2446G>C (p.Asp816His)

Gene: ACTN2 (actinin alpha 2; plus strand). Cytogenetic location: 1q43.
Variant type: single nucleotide variant.
Coding change: c.2446G>C on transcript NM_001103.4 (MANE Select); coding-DNA position 2446, G replaced by C.
Protein change: p.Asp816His; replaces aspartic acid 816 with histidine.
Molecular consequence: missense variant. On other transcripts: non-coding transcript variant (1).
Genome position (GRCh38, 1-based): chr1:236,761,093, G>C. VCF-style: chr1-236761093-G-C. GRCh37 (hg19) VCF-style: chr1-236924393-G-C.
Other names: c.2446G>C, p.Asp816His (NM_001278343.2); short protein forms D816H.
Identifiers: ClinVar variation 4787261 (VCV004787261.1).